The following is an entry in ClinVar:

ClinVar aggregate classification (germline): Uncertain significance (1 of 4 stars; one submission).

Allele frequency attached by ClinVar (database versions not stated): ExAC 0.00002; gnomAD exomes 0.00003; gnomAD 0.00004 and 0.00005; TOPMed 0.00005; ESP Exome Variant Server 0.00008.

Submissions (2):

Labcorp Genetics (formerly Invitae), Labcorp
Classification: Uncertain significance. Last evaluated: 2026-02-02. Review status: criteria provided, single submitter. Criteria: Invitae Variant Classification Sherloc (09022015). Collection method: clinical testing. Allele origin: germline.
Comment: This sequence change affects a donor splice site in intron 8 of the GUF1 gene. It is expected to disrupt RNA splicing. Variants that disrupt the donor or acceptor splice site typically lead to a loss of protein function (PMID: 16199547), however the current clinical and genetic evidence is not sufficient to establish whether loss-of-function variants in GUF1 cause disease. This variant is present in population databases (rs191387645, gnomAD 0.006%). This variant has not been reported in the literature in individuals affected with GUF1-related conditions. ClinVar contains an entry for this variant (Variation ID: 1518520). Algorithms developed to predict the effect of sequence changes on RNA splicing suggest that this variant may disrupt the consensus splice site. In summary, the available evidence is currently insufficient to determine the role of this variant in disease. Therefore, it has been classified as a Variant of Uncertain Significance.

Dr. Peter K. Rogan Lab, Western University
No classification provided (evidence only). Condition: Lung cancer. Review status: no classification provided. Collection method: in vitro. Allele origin: not applicable. Functional consequence: skipped exon. Not counted in ClinVar's aggregate classification.

Literature cited by the submitters: PubMed 16199547 (cited by Labcorp Genetics (formerly Invitae), Labcorp).

NM_021927.3(GUF1):c.938+1G>T

Gene: GUF1 (GTP binding elongation factor GUF1; plus strand). Cytogenetic location: 4p12.
Variant type: single nucleotide variant.
Coding change: c.938+1G>T on transcript NM_021927.3 (MANE Select); the canonical splice donor site of the intron after coding-DNA position 938, G replaced by T.
Molecular consequence: splice donor variant.
Genome position (GRCh38, 1-based): chr4:44,686,714, G>T. VCF-style: chr4-44686714-G-T. GRCh37 (hg19) VCF-style: chr4-44688731-G-T.
Other names: c.938+1G>T (NM_001345868.2); c.-35+1G>T (NM_001345867.2, NM_001345869.2).
Identifiers: ClinVar variation 1518520 (VCV001518520.9), dbSNP rs191387645, ClinGen allele CA2905472.
Genomic context (GRCh38, chr4:44,686,714, plus strand): 5'-GACATACGAAGTTAATGAAGTAGGAGTCTTGAATCCTAATGAGCAGCCAACTCATAAATT[G>T]TAAGTAATCTGCATTAGTAAAATTAAAATGCATTTGTATGTGGTTCTATTTCTGCATTTT-3'